The following is an entry in ClinVar:

ClinVar aggregate classification (germline): Conflicting classifications of pathogenicity. Review status: criteria provided, conflicting classifications (1 of 4 stars). 2 submissions from 2 submitters: Uncertain significance (1); Likely benign (1). Last evaluated 2024-11-13.

Submissions (2):

Blueprint Genetics
Classification: Likely benign. Last evaluated: 2024-11-13. Review status: criteria provided, single submitter. Criteria: ACMG Guidelines, 2015. Collection method: clinical testing. Allele origin: germline.

Labcorp Genetics (formerly Invitae), Labcorp
Classification: Uncertain significance. Last evaluated: 2024-11-10. Review status: criteria provided, single submitter. Criteria: Invitae Variant Classification Sherloc (09022015). Collection method: clinical testing. Allele origin: germline.
Comment: This variant, c.5116_5142del, results in the deletion of 9 amino acid(s) of the CASZ1 protein (p.Asp1706_Asp1714del), but otherwise preserves the integrity of the reading frame. The frequency data for this variant in the population databases is considered unreliable, as metrics indicate poor data quality at this position in the gnomAD database. This variant has not been reported in the literature in individuals affected with CASZ1-related conditions. Experimental studies and prediction algorithms are not available or were not evaluated, and the functional significance of this variant is currently unknown. In summary, the available evidence is currently insufficient to determine the role of this variant in disease. Therefore, it has been classified as a Variant of Uncertain Significance.

NM_001079843.3(CASZ1):c.5089GACGACGAGGACGACGACGACGAGGAC[1] (p.1697DDEDDDDED[1])

Gene: CASZ1 (castor zinc finger 1; minus strand). Cytogenetic location: 1p36.22.
Variant type: Microsatellite.
Coding change: c.5089GACGACGAGGACGACGACGACGAGGAC[1] on transcript NM_001079843.3 (MANE Select); one copy of the 27-base unit GACGACGAGGACGACGACGACGAGGAC starting at c.5089; the reference has two copies in a row; one copy, 27 bases deleted.
Protein change: p.1697DDEDDDDED[1].
Molecular consequence: inframe deletion.
Genome position (GRCh38, 1-based): chr1:10,639,080-10,639,106, GTCCTCGTCGTCGTCGTCCTCGTCGTC deleted on the plus strand (GACGACGAGGACGACGACGACGAGGAC on the coding strand, the reverse complement: CASZ1 is on the minus strand); deleting any 27 consecutive bases within chr1:10,639,080-10,639,142 gives the same sequence; the position shown is the placement nearest the transcript's 3' end. VCF-style (leftmost placement, unchanged base first): chr1-10639079-GGTCCTCGTCGTCGTCGTCCTCGTCGTC-G. GRCh37 (hg19) VCF-style: chr1-10699136-GGTCCTCGTCGTCGTCGTCCTCGTCGTC-G.
Identifiers: ClinVar variation 2056158 (VCV002056158.5), dbSNP rs776847243, ClinGen allele CA584060.
Genomic context (GRCh38, chr1:10,639,079, plus strand): 5'-CGCCCGCGCCCGCCGCCTCCGCCGCCGCCTCGGGCAGCGACTCCTCCGAGTCGGTGCGCA[GGTCCTCGTCGTCGTCGTCCTCGTCGTC>G]GTCCTCGTCGTCGTCGTCCTCGTCGTCGTCCTCGTCCTCGTCGTCTTCGGCCTCCTCCTC-3'